The following is an entry in ClinVar:

NC_000008.10:g.(?_42958672)_(43054732_?)dup

Genes: POMK (protein O-mannose kinase; plus strand), HGSNAT (heparan-alpha-glucosaminide N-acetyltransferase; plus strand), LOC130000320 (ATAC-STARR-seq lymphoblastoid active region 27323; plus strand), LOC130000321 (ATAC-STARR-seq lymphoblastoid active region 27324; plus strand), LOC130000319 (ATAC-STARR-seq lymphoblastoid active region 27322; plus strand) and 4 more. Cytogenetic location: 8p11.21.
Variant type: Duplication.
Identifiers: ClinVar variation 542426 (VCV000542426.2).

ClinVar aggregate classification (germline): Uncertain significance (1 of 4 stars; one submission).

Conditions:
Mucopolysaccharidosis, MPS-III-C (MPS3C). Also called: SANFILIPPO SYNDROME C; MPS III C; MUCOPOLYSACCHARIDOSIS, TYPE IIIC; Mucopolysaccharidosis type IIIC (Sanfilippo C); MPS IIIC (Sanfilippo Syndrome Type C); mucopolysaccharidosis type 3C. Identifiers: Orphanet 581, Orphanet 79271, MedGen C0086649, MONDO:0009657, OMIM 252930.
Retinitis pigmentosa 73 (RP73). Identifiers: Orphanet 791, MedGen C4225287, MONDO:0014687, OMIM 616544.

Submission:

Labcorp Genetics (formerly Invitae), Labcorp
Classification: Uncertain significance for Retinitis pigmentosa 73; Mucopolysaccharidosis, MPS-III-C. Last evaluated: 2019-07-26. Review status: criteria provided, single submitter. Criteria: Invitae Variant Classification Sherloc (09022015). Collection method: clinical testing. Allele origin: germline.
Comment: This variant results in a copy number gain of the genomic region encompassing the full coding sequence of the HGSNAT gene. The boundaries of this event are unknown as they extend beyond the assayed region for this gene and therefore may encompass additional genes. As the precise location of this event is unknown, it may be in tandem or it may be located elsewhere in the genome. This variant has not been reported in the literature in individuals with HGSNAT-related conditions. In summary, the available evidence is currently insufficient to determine the role of this variant in disease. Therefore, it has been classified as a Variant of Uncertain Significance.